The following is an entry in ClinVar:

NM_170707.4(LMNA):c.298G>C (p.Ala100Pro)

Gene: LMNA (lamin A/C; plus strand). Cytogenetic location: 1q22.
Variant type: single nucleotide variant.
Coding change: c.298G>C on transcript NM_170707.4 (MANE Select); coding-DNA position 298, G replaced by C.
Protein change: p.Ala100Pro; replaces alanine 100 with proline.
Molecular consequence: missense variant.
Genome position (GRCh38, 1-based): chr1:156,115,216, G>C. VCF-style: chr1-156115216-G-C. GRCh37 (hg19) VCF-style: chr1-156085007-G-C.
Other names: c.298G>C, p.Ala100Pro (NM_001282625.2, NM_001282626.2, NM_005572.4 and 1 more transcripts); short protein forms A100P.
Identifiers: ClinVar variation 290500 (VCV000290500.11), dbSNP rs886044468, ClinGen allele CA10606793.
Genomic context (GRCh38, chr1:156,115,216, plus strand): 5'-GCCTACGAGGCCGAGCTCGGGGATGCCCGCAAGACCCTTGACTCAGTAGCCAAGGAGCGC[G>C]CCCGCCTGCAGCTGGAGCTGAGCAAAGTGCGTGAGGAGTTTAAGGAGCTGAAAGCGCGGT-3'
Protein context (NP_733821.1, residues 90-110): KTLDSVAKER[Ala100Pro]RLQLELSKVR

ClinVar aggregate classification (germline): Uncertain significance. Review status: criteria provided, multiple submitters, no conflicts (2 of 4 stars). 3 submissions from 3 submitters: Uncertain significance (3). Last evaluated 2024-07-30.

Conditions:
Charcot-Marie-Tooth disease type 2. Also called: Charcot-Marie-Tooth type 2. Identifiers: Orphanet 64746, MedGen C0270914, MONDO:0018993.

Submissions (3):

Labcorp Genetics (formerly Invitae), Labcorp
Classification: Uncertain significance for Charcot-Marie-Tooth disease type 2. Last evaluated: 2024-07-30. Review status: criteria provided, single submitter. Criteria: Invitae Variant Classification Sherloc (09022015). Collection method: clinical testing. Allele origin: germline.
Comment: This sequence change replaces alanine, which is neutral and non-polar, with proline, which is neutral and non-polar, at codon 100 of the LMNA protein (p.Ala100Pro). This variant is not present in population databases (gnomAD no frequency). This variant has not been reported in the literature in individuals affected with LMNA-related conditions. ClinVar contains an entry for this variant (Variation ID: 290500). Advanced modeling of protein sequence and biophysical properties (such as structural, functional, and spatial information, amino acid conservation, physicochemical variation, residue mobility, and thermodynamic stability) performed at Invitae indicates that this missense variant is expected to disrupt LMNA protein function with a positive predictive value of 95%. In summary, the available evidence is currently insufficient to determine the role of this variant in disease. Therefore, it has been classified as a Variant of Uncertain Significance.

Revvity Omics, Revvity
Classification: Uncertain significance. Last evaluated: 2019-03-14. Review status: criteria provided, single submitter. Criteria: ACMG Guidelines, 2015. Collection method: clinical testing. Allele origin: germline.

Eurofins Ntd Llc (ga)
Classification: Uncertain significance. Last evaluated: 2016-08-25. Review status: criteria provided, single submitter. Criteria: EGL Classification Definitions 2015. Collection method: clinical testing. Allele origin: germline. Observed: 1 variant allele, 1 heterozygote.